The following is an entry in ClinVar:

ClinVar aggregate classification (germline): Uncertain significance. Review status: criteria provided, multiple submitters, no conflicts (2 of 4 stars). 2 submissions from 2 submitters: Uncertain significance (2). Last evaluated 2026-06-26.

gnomAD v4.1: 119 of 1,614,120 alleles (0.0074%); highest among the groups gnomAD compares: African/African-American, 0.14%; no homozygotes.

Submissions (2):

Greenwood Genetic Center Diagnostic Laboratories, Greenwood Genetic Center
Classification: Uncertain significance. Last evaluated: 2026-06-26. Review status: criteria provided, single submitter. Criteria: ACMG Guidelines, 2015. Collection method: clinical testing. Allele origin: germline.
Comment: PM2

Ambry Genetics
Classification: Uncertain significance. Last evaluated: 2025-11-13. Review status: criteria provided, single submitter. Criteria: Ambry Variant Classification Scheme 2023. Collection method: clinical testing. Allele origin: germline.

NM_019024.3(HEATR5B):c.4349A>T (p.Asn1450Ile)

Gene: HEATR5B (HEAT repeat containing 5B; minus strand). Cytogenetic location: 2p22.2.
Variant type: single nucleotide variant.
Coding change: c.4349A>T on transcript NM_019024.3 (MANE Select); coding-DNA position 4349, A replaced by T.
Protein change: p.Asn1450Ile; replaces asparagine 1450 with isoleucine.
Molecular consequence: missense variant.
Genome position (GRCh38, 1-based): chr2:37,008,784, T>A on the plus strand (A>T on the coding strand, the complement: HEATR5B is on the minus strand). VCF-style: chr2-37008784-T-A. GRCh37 (hg19) VCF-style: chr2-37235927-T-A.
Other names: short protein forms N1450I.
Identifiers: ClinVar variation 4675375 (VCV004675375.2).